The following is an entry in ClinVar:

ClinVar aggregate classification (germline): Likely benign. Review status: criteria provided, multiple submitters, no conflicts (2 of 4 stars). 2 submissions from 2 submitters: Likely benign (2). Last evaluated 2024-11-26.

Submissions (2):

Blueprint Genetics
Classification: Likely benign. Last evaluated: 2024-11-26. Review status: criteria provided, single submitter. Criteria: ACMG Guidelines, 2015. Collection method: clinical testing. Allele origin: germline.

CeGaT Center for Human Genetics Tuebingen
Classification: Likely benign. Last evaluated: 2023-01-01. Review status: criteria provided, single submitter. Criteria: CeGaT Center For Human Genetics Tuebingen Variant Classification Criteria Version 2. Collection method: clinical testing. Allele origin: germline. Affected: yes. Observed: 1 variant allele.
Comment: ATXN1: BS1

NM_001128164.2(ATXN1):c.638_639insTCAGCAGCA (p.Gln212_Gln213insHisGlnGln)

Genes: ATXN1 (ataxin 1; minus strand), LOC108663993 (ataxin 1 repeat instability region; plus strand). Cytogenetic location: 6p22.3.
Variant type: Microsatellite.
Coding change: c.638_639insTCAGCAGCA on transcript NM_001128164.2 (MANE Select); coding-DNA positions 638 to 639, TCAGCAGCA inserted.
Protein change: p.Gln212_Gln213insHisGlnGln.
Molecular consequence: inframe insertion. On other transcripts: 3 prime UTR variant (1).
Genome position: GRCh38 VCF-style: chr6-16327672-C-CTGCTGCTGA. GRCh37 (hg19) VCF-style: chr6-16327903-C-CTGCTGCTGA.
Other names: c.638_639insTCAGCAGCA, p.Gln212_Gln213insHisGlnGln (NM_000332.4); c.*51_*52insTCAGCAGCA (NM_001357857.2).
Identifiers: ClinVar variation 2656251 (VCV002656251.25), dbSNP rs780549091.